The following is an entry in ClinVar:

NM_001267550.2(TTN):c.68449C>T (p.Arg22817Ter)

Genes: TTN (titin; minus strand), TTN-AS1 (TTN antisense RNA 1; plus strand). Cytogenetic location: 2q31.2.
Variant type: single nucleotide variant.
Coding change: c.68449C>T on transcript NM_001267550.2 (MANE Select); coding-DNA position 68449, C replaced by T.
Protein change: p.Arg22817Ter; replaces arginine 22817 with a stop codon.
Molecular consequence: nonsense.
Genome position (GRCh38, 1-based): chr2:178,578,066, G>A on the plus strand (C>T on the coding strand, the complement: TTN is on the minus strand). VCF-style: chr2-178578066-G-A. GRCh37 (hg19) VCF-style: chr2-179442793-G-A.
Other names: p.R21176*:CGA>TGA; c.63526C>T, p.Arg21176Ter (NM_001256850.1); c.60745C>T, p.Arg20249Ter (NM_133378.4); c.41254C>T, p.Arg13752Ter (NM_003319.4); c.41629C>T, p.Arg13877Ter (NM_133432.3); c.41830C>T, p.Arg13944Ter (NM_133437.4); c.68449C>T (NM_001267550.1); short protein forms R20249*, R22817*, R21176*, R13752*, R13877*, R13944*.
Identifiers: ClinVar variation 165869 (VCV000165869.24), dbSNP rs371678190, ClinGen allele CA273260.

ClinVar aggregate classification (germline): Pathogenic/Likely pathogenic. Review status: criteria provided, multiple submitters, no conflicts (2 of 4 stars). 8 submissions from 8 submitters: Pathogenic (7); Likely pathogenic (1). Last evaluated 2026-06-15.

Conditions:
Cardiovascular phenotype. Identifiers: MedGen CN230736.
TTN-related disorder. Also called: TTN-related condition; TTN-related disease; TTN-related disorders.
Autosomal recessive limb-girdle muscular dystrophy type 2J (LGMDR10). Also called: Limb-girdle muscular dystrophy, type 2J; MUSCULAR DYSTROPHY, LIMB-GIRDLE, AUTOSOMAL RECESSIVE 10. Identifiers: Orphanet 140922, MedGen C1837342, MONDO:0012127, OMIM 608807.
Dilated cardiomyopathy 1G (CMD1G). Identifiers: Orphanet 154, MedGen C1858763, MONDO:0011400, OMIM 604145.
Cardiomyopathy (CMYO). Also called: Cardiomyopathies. Identifiers: Orphanet 167848, MedGen C0878544, MONDO:0004994, HP:0001638. Inheritance: Various modes of inheritance.
Primary dilated cardiomyopathy (DCM). Also called: Dilated Cardiomyopathy. Identifiers: Orphanet 217604, MedGen C0007193, MeSH D002311, MONDO:0005021, HP:0001644. Inheritance: Various modes of inheritance.

gnomAD v4.1: 5 of 1,613,036 alleles (0.00031%); highest among the groups gnomAD compares: South Asian, 0.0011%; no homozygotes.

Submissions (8):

Molecular Diagnostic Laboratory for Inherited Cardiovascular Disease, Montreal Heart Institute
Classification: Pathogenic for Cardiovascular phenotype. Last evaluated: 2026-06-15. Review status: criteria provided, single submitter. Criteria: ACMG Guidelines, 2015. Collection method: clinical testing. Allele origin: germline. Affected: yes.

GeneDx
Classification: Pathogenic. Last evaluated: 2026-05-19. Review status: criteria provided, single submitter. Criteria: GeneDx Variant Classification Process June 2021. Collection method: clinical testing. Allele origin: germline.
Comment: Reported in an individual with sudden cardiac death (PMID: 28255936); Not observed at significant frequency in large population cohorts (gnomAD); Nonsense variant predicted to result in protein truncation or nonsense mediated decay in a gene for which loss of function is a known mechanism of disease; This variant is associated with the following publications: (PMID: 22335739, 32778822, 38892874, 28045975, 28255936)

Labcorp Genetics (formerly Invitae), Labcorp
Classification: Pathogenic for Dilated cardiomyopathy 1G; Autosomal recessive limb-girdle muscular dystrophy type 2J. Last evaluated: 2025-12-22. Review status: criteria provided, single submitter. Criteria: Invitae Variant Classification Sherloc (09022015). Collection method: clinical testing. Allele origin: germline.
Comment: This sequence change creates a premature translational stop signal (p.Arg22817*) in the TTN gene. While this is not anticipated to result in nonsense mediated decay, it is expected to create a truncated TTN protein. This variant is present in population databases (rs371678190, gnomAD 0.003%). This premature translational stop signal has been observed in individuals with clinical features of dilated cardiomyopathy (PMID: 28045975; internal data). ClinVar contains an entry for this variant (Variation ID: 165869). This variant is located in the A band of TTN (PMID: 25589632). Truncating variants in this region are significantly overrepresented in patients affected with dilated cardiomyopathy (PMID: 25589632). Truncating variants in this region have also been reported in individuals affected with autosomal recessive centronuclear myopathy (PMID: 23975875). For these reasons, this variant has been classified as Pathogenic.

Blueprint Genetics
Classification: Pathogenic for TTN-related disorders. Last evaluated: 2024-11-18. Review status: criteria provided, single submitter. Criteria: ACMG Guidelines, 2015. Collection method: clinical testing. Allele origin: germline. Affected: yes. Observed: 2 variant alleles.

Ambry Genetics
Classification: Pathogenic for Cardiovascular phenotype. Last evaluated: 2024-03-04. Review status: criteria provided, single submitter. Criteria: Ambry Variant Classification Scheme 2023. Collection method: clinical testing. Allele origin: germline.
Comment: The p.R13752* pathogenic mutation (also known as c.41254C>T), located in coding exon 149 of the TTN gene, results from a C to T substitution at nucleotide position 41254. This changes the amino acid from an arginine to a stop codon within coding exon 149. This exon is located in the A-band region of the N2-B isoform of the titin protein and is constitutively expressed in TTN transcripts (percent spliced in or PSI 100%). This alteration has been reported in both sudden death and dilated cardiomyopathy (DCM) cohorts (also reported as p.R20249* (c.60745C>T) and p.R22817* (c.68449C>T)) (Franaszczyk M et al. PLoS ONE, 2017 Jan;12:e0169007; Campuzano O et al. Sports Med, 2017 Oct;47:2101-2115). This variant is considered to be rare based on population cohorts in the Genome Aggregation Database (gnomAD). In addition to the clinical data presented in the literature, while truncating variants in TTN are present in 1-3% of the general population, truncating variants in the A-band are the most common cause of dilated cardiomyopathy (DCM) (Herman DS et al. N. Engl. J. Med. 2012 Feb;366:619-28; Roberts AM et al. Sci Transl Med. 2015 Jan;7:270ra6). TTN truncating variants encoded in constitutive exons (PSI >90%) have been found to be significantly associated with DCM regardless of their position in titin (Schafer S et al. Nat. Genet. 2017 Jan;49:46-53). This alteration is expected to result in loss of function by premature protein truncation or nonsense-mediated mRNA decay. Based on the supporting evidence, this alteration is interpreted as a disease-causing mutation.

MGZ Medical Genetics Center
Classification: Pathogenic for Dilated cardiomyopathy 1G. Last evaluated: 2021-12-29. Review status: criteria provided, single submitter. Criteria: ACMG Guidelines, 2015. Collection method: clinical testing. Allele origin: germline. Affected: yes. Observed: 1 variant allele.
Comment: ACMG criteria applied: PVS1, PS4_SUP, PM2_SUP

CHEO Genetics Diagnostic Laboratory, Children's Hospital of Eastern Ontario
Classification: Pathogenic for Cardiomyopathy. Last evaluated: 2017-10-27. Review status: criteria provided, single submitter. Criteria: ACMG Guidelines, 2015. Collection method: clinical testing. Allele origin: germline. Study: Canadian Open Genetics Repository.

Laboratory for Molecular Medicine, Mass General Brigham Personalized Medicine
Classification: Likely pathogenic for Primary dilated cardiomyopathy. Last evaluated: 2015-03-19. Review status: criteria provided, single submitter. Criteria: LMM Criteria. Collection method: clinical testing. Allele origin: germline. Inheritance: Autosomal dominant inheritance. Observed: 4 variant alleles.
Comment: The p.Arg20249X variant in TTN has not been previously reported in any other fam ilies with cardiomyopathy or in large population studies. This nonsense variant leads to a premature termination codon at position 20249, which is predicted to lead to a truncated or absent protein. Nonsense and other truncating variants in TTN are strongly associated with DCM, particularly if they are located in the e xons encoding for the A-band region of the protein (Herman 2012, Pugh 2014), whe re this variant is located. In summary, although additional studies are required to fully establish its clinical significance, the Arg20249X variant is likely p athogenic.

Literature cited by the submitters: PubMed 28045975 (cited by Labcorp Genetics (formerly Invitae), Labcorp and Ambry Genetics); PubMed 25589632 (cited by Labcorp Genetics (formerly Invitae), Labcorp); PubMed 23975875 (cited by Labcorp Genetics (formerly Invitae), Labcorp); PubMed 28255936 (cited by Ambry Genetics).